The following is an entry in ClinVar:

NM_016203.4(PRKAG2):c.166G>A (p.Gly56Arg)

Gene: PRKAG2 (protein kinase AMP-activated non-catalytic subunit gamma 2; minus strand). Cytogenetic location: 7q36.1.
Variant type: single nucleotide variant.
Coding change: c.166G>A on transcript NM_016203.4 (MANE Select); coding-DNA position 166, G replaced by A.
Protein change: p.Gly56Arg; replaces glycine 56 with arginine.
Molecular consequence: missense variant.
Genome position (GRCh38, 1-based): chr7:151,786,490, C>T on the plus strand (G>A on the coding strand, the complement: PRKAG2 is on the minus strand). VCF-style: chr7-151786490-C-T. GRCh37 (hg19) VCF-style: chr7-151483576-C-T.
Other names: c.34G>A, p.Gly12Arg (NM_001040633.2); short protein forms G56R, G12R.
Identifiers: ClinVar variation 45704 (VCV000045704.29), dbSNP rs397517266, ClinGen allele CA013960.

ClinVar aggregate classification (germline): Conflicting classifications of pathogenicity. Review status: criteria provided, conflicting classifications (1 of 4 stars). 9 submissions from 9 submitters: Uncertain significance (6); Likely benign (3). Last evaluated 2026-02-04.

Conditions:
PRKAG2-related disorder. Also called: PRKAG2-related condition; PRKAG2-related disorders.
Cardiovascular phenotype. Identifiers: MedGen CN230736.
Cardiomyopathy (CMYO). Also called: Cardiomyopathies. Identifiers: Orphanet 167848, MedGen C0878544, MONDO:0004994, HP:0001638. Inheritance: Various modes of inheritance.
Lethal congenital glycogen storage disease of heart. Also called: GLYCOGEN STORAGE DISEASE OF HEART; PHOSPHORYLASE KINASE DEFICIENCY OF HEART. Identifiers: Orphanet 439854, MedGen C1849813, MONDO:0009867, OMIM 261740.
Hypertrophic cardiomyopathy. Also called: HYPERTROPHIC MYOCARDIOPATHY. Identifiers: Orphanet 217569, MedGen C0007194, MeSH D002312, MONDO:0005045, HP:0001639.

Allele frequency attached by ClinVar (database versions not stated): gnomAD 0.00004 and 0.00005; TOPMed 0.00004; ExAC 0.00005; gnomAD exomes 0.00006 and 0.00007.
gnomAD v4.1: 89 of 1,612,512 alleles (0.0055%); highest among the groups gnomAD compares: South Asian, 0.041%; no homozygotes.

Submissions (9):

Labcorp Genetics (formerly Invitae), Labcorp
Classification: Likely benign for Lethal congenital glycogen storage disease of heart. Last evaluated: 2026-02-04. Review status: criteria provided, single submitter. Criteria: Invitae Variant Classification Sherloc (09022015). Collection method: clinical testing. Allele origin: germline.

Color Diagnostics, LLC DBA Color Health
Classification: Likely benign for Cardiomyopathy. Last evaluated: 2025-07-10. Review status: criteria provided, single submitter. Criteria: ACMG Guidelines, 2015. Collection method: clinical testing. Allele origin: germline.

ARUP Laboratories, Molecular Genetics and Genomics, ARUP Laboratories
Classification: Uncertain significance. Last evaluated: 2025-06-05. Review status: criteria provided, single submitter. Criteria: ARUP Molecular Germline Variant Investigation Process 2024. Collection method: clinical testing. Allele origin: germline.
Comment: The PRKAG2 c.166G>A; p.Gly56Arg variant (rs397517266, ClinVar Variation ID: 45704) is reported in the literature in multiple individuals affected with hypertrophic cardiomyopathy and in a sudden unexplained death (Fang 2021, Lin 2017, Walsh 2017). This variant is found in the general population with an overall allele frequency of 0.007% (19/ 279446 alleles) in the Genome Aggregation Database (v2.1.1). Computational analyses are uncertain whether this variant is neutral or deleterious (REVEL: 0.244). Due to limited information, the clinical significance of this variant is uncertain at this time. References: Fang T et al. The Value of Cardiac Magnetic Resonance Imaging in Identification of Rare Diseases Mimicking Hypertrophic Cardiomyopathy. J Clin Med. 2021 Jul 28;10(15):3339. PMID: 34362124. Lin Y et al. Applying High-Resolution Variant Classification to Cardiac Arrhythmogenic Gene Testing in a Demographically Diverse Cohort of Sudden Unexplained Deaths. Circ Cardiovasc Genet. 2017 Walsh R et al. Reassessment of Mendelian gene pathogenicity using 7,855 cardiomyopathy cases and 60,706 reference samples. Genet Med. 2017 Feb;19(2):192-203. PMID: 27532257.

Ambry Genetics
Classification: Likely benign for Cardiovascular phenotype. Last evaluated: 2023-12-08. Review status: criteria provided, single submitter. Criteria: Ambry Variant Classification Scheme 2023. Collection method: clinical testing. Allele origin: germline.

All of Us Research Program, National Institutes of Health
Classification: Uncertain significance for Hypertrophic cardiomyopathy. Last evaluated: 2023-12-01. Review status: criteria provided, single submitter. Criteria: ACMG Guidelines, 2015. Collection method: clinical testing. Allele origin: germline. Inheritance: Autosomal dominant inheritance. Observed: 10 variant alleles, 10 heterozygotes.
Comment: This missense variant replaces glycine with arginine at codon 56 of the PRKAG2 protein. Computational prediction suggests that this variant may not impact protein structure and function (internally defined REVEL score threshold <= 0.5, PMID: 27666373). To our knowledge, functional studies have not been reported for this variant. This variant has been reported in two individuals affected with hypertrophic cardiomyopathy (PMID: 27532257, 34362124). This variant has also been reported in a cohort of sudden unexplained deaths (PMID: 29247119). This variant has been identified in 19/279446 chromosomes in the general population by the Genome Aggregation Database (gnomAD). The available evidence is insufficient to determine the role of this variant in disease conclusively. Therefore, this variant is classified as a Variant of Uncertain Significance.

This study involves interpretation of variants in research participants for the purpose of population health screening. Participant phenotype was not available at the time of variant classification. Additional details can be found in publication PMID: 35346344, PMCID: PMC8962531

PreventionGenetics, part of Exact Sciences
Classification: Uncertain significance for PRKAG2-related condition. Last evaluated: 2023-07-23. Review status: criteria provided, single submitter. Criteria: ACMG Guidelines, 2015. Collection method: clinical testing. Allele origin: germline.
Comment: The PRKAG2 c.166G>A variant is predicted to result in the amino acid substitution p.Gly56Arg. This variant has been reported with uncertain significance in an individual with hypertrophic cardiomyopathy and in an individual from a sudden unexplained death cohort (Table S1B, Walsh R et al. 2017. PubMed ID: 27532257; Table S3, Lin Y et al. 2017. PubMed ID: 29247119). This variant is reported in 0.034% of alleles in individuals of South Asian descent in gnomAD. At this time, the clinical significance of this variant is uncertain due to the absence of conclusive functional and genetic evidence.

GeneDx
Classification: Uncertain significance. Last evaluated: 2022-06-14. Review status: criteria provided, single submitter. Criteria: GeneDx Variant Classification Process June 2021. Collection method: clinical testing. Allele origin: germline. Affected: yes.
Comment: Reported in association with HCM and sudden unexplained death (SUD) in published literature (Walsh et al., 2017; Lin et al., 2017); In silico analysis supports that this missense variant does not alter protein structure/function; This variant is associated with the following publications: (PMID: 29247119, 27532257)

Knight Diagnostic Laboratories, Oregon Health and Sciences University
Classification: Uncertain significance for Cardiomyopathy, hypertrophic. Last evaluated: 2019-10-31. Review status: criteria provided, single submitter. Criteria: ACMG Guidelines, 2015. Collection method: clinical testing. Allele origin: germline. Observed: 1 variant allele.

Laboratory for Molecular Medicine, Mass General Brigham Personalized Medicine
Classification: Uncertain significance. Last evaluated: 2014-04-10. Review status: criteria provided, single submitter. Criteria: LMM Criteria. Collection method: clinical testing. Allele origin: germline. Observed: 2 variant alleles.
Comment: Glycine (Gly) at position 56 is not conserved in mammals or distantly related species, s uggesting that a change at this position may be tolerated. Other computational p rediction tools do not provide strong support for or against an impact to the pr otein. In summary, additional information is needed to fully assess the clinical significance of this variant.

Literature cited by the submitters: PubMed 27532257 (cited by Ambry Genetics and All of Us Research Program, National Institutes of Health); PubMed 29247119 (cited by Ambry Genetics and All of Us Research Program, National Institutes of Health); PubMed 34362124 (cited by All of Us Research Program, National Institutes of Health).